The following is an entry in ClinVar:

ClinVar aggregate classification (germline): Likely benign. Review status: criteria provided, multiple submitters, no conflicts (2 of 4 stars). 2 submissions from 2 submitters: Likely benign (2). Last evaluated 2026-08-01.

Allele frequency attached by ClinVar (database versions not stated): ExAC 0.00334; 1000 Genomes Project 30x 0.00047; TOPMed 0.00087; gnomAD exomes 0.00092 and 0.00124; gnomAD 0.00099 and 0.00108.
gnomAD v4.1: 1,771 of 1,453,762 alleles (0.12%); highest among the groups gnomAD compares: Non-Finnish European, 0.14%; 1 homozygote.

Submissions (2):

CeGaT Center for Human Genetics Tuebingen
Classification: Likely benign. Last evaluated: 2026-08-01. Review status: criteria provided, single submitter. Criteria: CeGaT Center For Human Genetics Tuebingen Variant Classification Criteria Version 2. Collection method: clinical testing. Allele origin: germline. Affected: yes. Observed: 2 variant alleles.
Comment: NLGN2: BP4, BP7

Labcorp Genetics (formerly Invitae), Labcorp
Classification: Likely benign. Last evaluated: 2026-01-12. Review status: criteria provided, single submitter. Criteria: Invitae Variant Classification Sherloc (09022015). Collection method: clinical testing. Allele origin: germline.

NM_020795.4(NLGN2):c.2268C>T (p.Asp756=)

Gene: NLGN2 (neuroligin 2; plus strand). Cytogenetic location: 17p13.1.
Variant type: single nucleotide variant.
Coding change: c.2268C>T on transcript NM_020795.4 (MANE Select); coding-DNA position 2268, C replaced by T.
Protein change: p.Asp756=; no amino-acid change (aspartic acid 756 retained).
Molecular consequence: synonymous variant.
Genome position (GRCh38, 1-based): chr17:7,417,559, C>T. VCF-style: chr17-7417559-C-T. GRCh37 (hg19) VCF-style: chr17-7320878-C-T.
Identifiers: ClinVar variation 1634861 (VCV001634861.14), dbSNP rs749148677, ClinGen allele CA8346260.